The following is an entry in ClinVar:

NM_024312.5(GNPTAB):c.2550_2554dup (p.Ile852fs)

Gene: GNPTAB (N-acetylglucosamine-1-phosphate transferase subunits alpha and beta; minus strand). Cytogenetic location: 12q23.2.
Variant type: Microsatellite.
Coding change: c.2550_2554dup on transcript NM_024312.5 (MANE Select); coding-DNA positions 2550 to 2554, 5 bases duplicated (GAAAA; older notation c.2550_2554dupGAAAA).
Protein change: p.Ile852fs; shifts the reading frame from isoleucine 852.
Molecular consequence: frameshift variant.
Genome position (GRCh38, 1-based): chr12:101,764,363-101,764,367, TTTTC duplicated on the plus strand (GAAAA on the coding strand, the reverse complement: GNPTAB is on the minus strand); duplicating any 5 consecutive bases within chr12:101,764,363-101,764,376 gives the same sequence; the c. name uses the placement nearest the transcript's 3' end. VCF-style (leftmost placement, unchanged base first): chr12-101764362-A-ATTTTC. GRCh37 (hg19) VCF-style: chr12-102158140-A-ATTTTC.
Other names: short protein forms I852fs.
Identifiers: ClinVar variation 397562 (VCV000397562.3), dbSNP rs281864996, ClinGen allele CA16609430.
Genomic context (GRCh38, chr12:101,764,362, plus strand): 5'-ACGCCTATGTGATTTTCAGCATTTTCCTCCATTCTACTGTTCTCTTTTTCTTTCCCTGTG[A>ATTTTC]TTTTCTTTTCTTTTGTCATCTGGCTTTCCAGTGGAACAATCAGAGATGGGGGCTTTTCTT-3'

ClinVar aggregate classification (germline): Likely pathogenic (1 of 4 stars; one submission).

Conditions:
Mucolipidosis type II. Also called: ML II ALPHA/BETA; Mucolipidosis 2; ML 2; Inclusion cell disease; Leroy Disease; N-acetylglucosamine 1phosphotransferase deficiency. Identifiers: Orphanet 576, MedGen C2673377, MONDO:0009650, OMIM 252500.
Pseudo-Hurler polydystrophy. Also called: ML III; ML III ALPHA/BETA; Mucolipidosis III Alpha/Beta; Type III Mucolipidosis; ML IIIA; MUCOLIPIDOSIS IIIA. Identifiers: Orphanet 423461, Orphanet 577, MedGen C0033788, MONDO:0018931, OMIM 252600.

Submission:

Diagnostics Division, CENTRE FOR DNA FINGERPRINTING AND DIAGNOSTICS
Classification: Likely pathogenic for Mucolipidosis type II; Pseudo-Hurler polydystrophy. Last evaluated: 2016-01-01. Review status: criteria provided, single submitter. Criteria: ACMG Guidelines, 2015. Collection method: research. Allele origin: unknown. Affected: yes. Observed: 1 compound heterozygote.
Comment: Duplication variant